The following is an entry in ClinVar:

ClinVar aggregate classification (germline): Uncertain significance (1 of 4 stars; one submission).

Submission:

Labcorp Genetics (formerly Invitae), Labcorp
Classification: Uncertain significance. Last evaluated: 2022-02-08. Review status: criteria provided, single submitter. Criteria: Invitae Variant Classification Sherloc (09022015). Collection method: clinical testing. Allele origin: germline.
Comment: In summary, the available evidence is currently insufficient to determine the role of this variant in disease. Therefore, it has been classified as a Variant of Uncertain Significance. Variants that disrupt the consensus splice site are a relatively common cause of aberrant splicing (PMID: 17576681, 9536098). Algorithms developed to predict the effect of sequence changes on RNA splicing suggest that this variant may disrupt the consensus splice site. This variant has not been reported in the literature in individuals affected with SEC61A1-related conditions. This variant is not present in population databases (gnomAD no frequency). This sequence change falls in intron 2 of the SEC61A1 gene. It does not directly change the encoded amino acid sequence of the SEC61A1 protein. It affects a nucleotide within the consensus splice site.

Literature cited by the submitters: PubMed 17576681; PubMed 9536098.

NM_013336.4(SEC61A1):c.75+5G>A

Gene: SEC61A1 (SEC61 translocon subunit alpha 1; plus strand). Cytogenetic location: 3q21.3.
Variant type: single nucleotide variant.
Coding change: c.75+5G>A on transcript NM_013336.4 (MANE Select); 5 bases into the intron after coding-DNA position 75, G replaced by A.
Molecular consequence: intron variant.
Genome position (GRCh38, 1-based): chr3:128,052,907, G>A. VCF-style: chr3-128052907-G-A. GRCh37 (hg19) VCF-style: chr3-127771750-G-A.
Other names: c.93+5G>A (NM_001400328.1); c.-85+348G>A (NM_001400329.1).
Identifiers: ClinVar variation 2095161 (VCV002095161.4), dbSNP rs2473013990, ClinGen allele CA2580068680.